The following is an entry in ClinVar:

NM_145117.5(NAV2):c.5917-8A>G

Gene: NAV2 (neuron navigator 2; plus strand). Cytogenetic location: 11p15.1.
Variant type: single nucleotide variant.
Coding change: c.5917-8A>G on transcript NM_145117.5 (MANE Select); 8 bases into the intron before coding-DNA position 5917, A replaced by G.
Molecular consequence: intron variant.
Genome position (GRCh38, 1-based): chr11:20,095,664, A>G. VCF-style: chr11-20095664-A-G. GRCh37 (hg19) VCF-style: chr11-20117210-A-G.
Other names: c.5725-8A>G (NM_001111018.2); c.6094-8A>G (NM_001244963.2); c.5926-8A>G (NM_182964.6); c.3109-8A>G (NM_001111019.3).
Identifiers: ClinVar variation 3049908 (VCV003049908.2), dbSNP rs150276360, ClinGen allele CA5919214.

ClinVar aggregate classification (germline): Benign (0 of 4 stars; one submission).

Conditions:
NAV2-related disorder. Also called: NAV2-related condition.

Allele frequency attached by ClinVar (database versions not stated): ESP Exome Variant Server 0.00131; gnomAD exomes 0.00155; TOPMed 0.00165; gnomAD 0.00186; ExAC 0.00298; 1000 Genomes Project 30x 0.00484; 1000 Genomes Project 0.00539.
gnomAD v4.1: 2,675 of 1,603,336 alleles (0.17%); highest among the groups gnomAD compares: Middle Eastern, 1.9%; 27 homozygotes.

Submission:

PreventionGenetics, part of Exact Sciences
Classification: Benign for NAV2-related condition. Last evaluated: 2019-12-18. Review status: no assertion criteria provided. Collection method: clinical testing. Allele origin: germline.
Comment: This variant is classified as benign based on ACMG/AMP sequence variant interpretation guidelines (Richards et al. 2015 PMID: 25741868, with internal and published modifications).